The following is an entry in ClinVar:

NM_007294.4(BRCA1):c.2716A>C (p.Lys906Gln)

Gene: BRCA1 (BRCA1 DNA repair associated; minus strand). Cytogenetic location: 17q21.31.
Variant type: single nucleotide variant.
Coding change: c.2716A>C on transcript NM_007294.4 (MANE Select); coding-DNA position 2716, A replaced by C.
Protein change: p.Lys906Gln; replaces lysine 906 with glutamine.
Molecular consequence: missense variant. On other transcripts: intron variant (137).
Genome position (GRCh38, 1-based): chr17:43,092,815, T>G on the plus strand (A>C on the coding strand, the complement: BRCA1 is on the minus strand). VCF-style: chr17-43092815-T-G. GRCh37 (hg19) VCF-style: chr17-41244832-T-G.
Other names: c.2590A>C, p.Lys864Gln (NM_001407686.1, NM_001407687.1, NM_001407689.1 and 11 more transcripts); c.548-1783A>C (NM_001408494.1); c.665-1783A>C (NM_001408444.1, NM_001408438.1, NM_001408430.1 and 12 more transcripts); c.671-1783A>C (NM_001408423.1, NM_001408420.1, NM_001408419.1 and 2 more transcripts); c.788-1783A>C (NM_001407974.1, NM_001408404.1, NM_001408472.1 and 17 more transcripts); c.788-676A>C (NM_001407969.1, NM_001407968.1); c.2575A>C, p.Lys859Gln (NM_001407692.1, NM_001407694.1, NM_001407695.1 and 29 more transcripts); c.2503A>C, p.Lys835Gln (NM_001407571.1, NM_001407853.1, NM_001407894.1 and 9 more transcripts); and 41 more; short protein forms K906Q, K859Q, K779Q, K858Q, K865Q, K880Q, K610Q, K818Q.
Identifiers: ClinVar variation 628997 (VCV000628997.6), dbSNP rs1567794535, ClinGen allele CA10596565.

ClinVar aggregate classification (germline): Conflicting classifications of pathogenicity. Review status: criteria provided, conflicting classifications (1 of 4 stars). 2 submissions from 2 submitters: Uncertain significance (1); Likely benign (1). Last evaluated 2023-03-23.

Conditions:
Hereditary cancer-predisposing syndrome. Also called: Neoplastic Syndromes, Hereditary; Tumor predisposition; Hereditary neoplastic syndrome; Hereditary Cancer Syndrome. Identifiers: Orphanet 140162, MedGen C0027672, MeSH D009386, MONDO:0015356.

Submissions (2):

University of Washington Department of Laboratory Medicine, University of Washington
Classification: Likely benign for Hereditary cancer-predisposing syndrome. Last evaluated: 2023-03-23. Review status: criteria provided, single submitter. Criteria: Dines et al. (Genet Med. 2020). Collection method: curation. Allele origin: germline.
Comment: Missense variant in a coldspot region where missense variants are very unlikely to be pathogenic (PMID:31911673).

BRCA1 coldspot (exon 11 using historical exon numbering). Reclassification based on statistical prior probability

Color Diagnostics, LLC DBA Color Health
Classification: Uncertain significance for Hereditary cancer-predisposing syndrome. Last evaluated: 2019-04-06. Review status: criteria provided, single submitter. Criteria: ACMG Guidelines, 2015. Collection method: clinical testing. Allele origin: germline.